The following is an entry in ClinVar:

NM_006757.4(TNNT3):c.668G>A (p.Arg223His)

Gene: TNNT3 (troponin T3, fast skeletal type; plus strand). Cytogenetic location: 11p15.5.
Variant type: single nucleotide variant.
Coding change: c.668G>A on transcript NM_006757.4 (MANE Select); coding-DNA position 668, G replaced by A.
Protein change: p.Arg223His; replaces arginine 223 with histidine.
Molecular consequence: missense variant.
Genome position (GRCh38, 1-based): chr11:1,934,906, G>A. VCF-style: chr11-1934906-G-A. GRCh37 (hg19) VCF-style: chr11-1956136-G-A.
Other names: c.644G>A, p.Arg215His (NM_001042780.3, NM_001042782.3, NM_001297646.2 and 2 more transcripts); c.662G>A, p.Arg221His (NM_001042781.3, NM_001367842.1, NM_001367843.1); c.677G>A, p.Arg226His (NM_001363561.2, NM_001367847.1); c.701G>A, p.Arg234His (NM_001367846.1); c.665G>A, p.Arg222His (NM_001367848.1); c.656G>A, p.Arg219His (NM_001367849.1); c.611G>A, p.Arg204His (NM_001367850.1); c.464G>A, p.Arg155His (NM_001367851.1, NM_001367852.1); and 1 more; short protein forms R155H, R219H, R223H, R226H, R222H, R204H, R215H, R234H.
Identifiers: ClinVar variation 1947388 (VCV001947388.3), dbSNP rs766691409, ClinGen allele CA379098991.

ClinVar aggregate classification (germline): Uncertain significance. Review status: criteria provided, multiple submitters, no conflicts (2 of 4 stars). 2 submissions from 2 submitters: Uncertain significance (2). Last evaluated 2025-01-27.

Conditions:
Inborn genetic diseases. Identifiers: MedGen C0950123, MeSH D030342.

gnomAD v4.1: 14 of 1,613,540 alleles (0.00087%); highest among the groups gnomAD compares: Admixed American, 0.0017%; no homozygotes.

Submissions (2):

Ambry Genetics
Classification: Uncertain significance for Inborn genetic diseases. Last evaluated: 2025-01-27. Review status: criteria provided, single submitter. Criteria: Ambry Variant Classification Scheme 2023. Collection method: clinical testing. Allele origin: germline.

Labcorp Genetics (formerly Invitae), Labcorp
Classification: Uncertain significance. Last evaluated: 2022-07-20. Review status: criteria provided, single submitter. Criteria: Invitae Variant Classification Sherloc (09022015). Collection method: clinical testing. Allele origin: germline.
Comment: This sequence change replaces arginine, which is basic and polar, with histidine, which is basic and polar, at codon 223 of the TNNT3 protein (p.Arg223His). This variant is present in population databases (no rsID available, gnomAD 0.003%). This variant has not been reported in the literature in individuals affected with TNNT3-related conditions. Algorithms developed to predict the effect of missense changes on protein structure and function are either unavailable or do not agree on the potential impact of this missense change (SIFT: "Deleterious"; PolyPhen-2: "Probably Damaging"; Align-GVGD: "Class C0"). In summary, the available evidence is currently insufficient to determine the role of this variant in disease. Therefore, it has been classified as a Variant of Uncertain Significance.